The following is an entry in ClinVar:

ClinVar aggregate classification (germline): Uncertain significance (1 of 4 stars; one submission).

Conditions:
Familial adenomatous polyposis 1 (FAP1). Also called: FAMILIAL ADENOMATOUS POLYPOSIS 1, ATTENUATED; POLYPOSIS, ADENOMATOUS INTESTINAL. Identifiers: MedGen C2713442, MONDO:0021056, OMIM 175100. Disease mechanism: loss of function.

Submission:

Labcorp Genetics (formerly Invitae), Labcorp
Classification: Uncertain significance for Familial adenomatous polyposis 1. Last evaluated: 2024-05-05. Review status: criteria provided, single submitter. Criteria: Invitae Variant Classification Sherloc (09022015). Collection method: clinical testing. Allele origin: germline.
Comment: This variant occurs in a non-coding region of the APC gene. It does not change the encoded amino acid sequence of the APC protein. Information on the frequency of this variant in the gnomAD database is not available, as this variant may be reported differently in the database. This variant has not been reported in the literature in individuals affected with APC-related conditions. Experimental studies and prediction algorithms are not available or were not evaluated, and the functional significance of this variant is currently unknown. In summary, the available evidence is currently insufficient to determine the role of this variant in disease. Therefore, it has been classified as a Variant of Uncertain Significance.

NM_001127511.3(APC):c.-134_-133delinsGG

Gene: APC (APC regulator of Wnt signaling pathway; plus strand). Cytogenetic location: 5q22.2.
Variant type: Indel.
Coding change: c.-134_-133delinsGG on transcript NM_001127511.3; 134 bases upstream of the start codon through 133 bases upstream of the start codon, TC replaced by GG.
Molecular consequence: 5 prime UTR variant. On other transcripts: non-coding transcript variant (2).
Genome position (GRCh38, 1-based): chr5:112,707,584-112,707,585, TC replaced by GG. VCF-style: chr5-112707584-TC-GG. GRCh37 (hg19) VCF-style: chr5-112043281-TC-GG.
Other names: c.-317_-316delinsGG (NM_001354895.2, NM_001407447.1, NM_001407452.1 and 3 more transcripts); c.-134_-133delinsGG (NM_001354897.2, NM_001354902.2, NM_001407446.1); c.-84_-83delinsGG (NM_001407448.1, NM_001407450.1, NM_001407457.1 and 1 more transcripts); c.-108_-107delinsGG (NM_001407453.1); c.-1352_-1351delinsGG (NM_001407470.1, NM_001407472.1).
Identifiers: ClinVar variation 2708264 (VCV002708264.3), dbSNP rs1750581459, ClinGen allele CA2697546386.